The following is an entry in ClinVar:

ClinVar aggregate classification (germline): Uncertain significance. Review status: criteria provided, multiple submitters, no conflicts (2 of 4 stars). 2 submissions from 2 submitters: Uncertain significance (2). Last evaluated 2025-06-06.

Conditions:
Cardiovascular phenotype. Identifiers: MedGen CN230736.
Dilated cardiomyopathy 1KK (CMD1KK). Identifiers: Orphanet 154, Orphanet 75249, MedGen C3714995, MONDO:0014100, OMIM 615248.

Allele frequency attached by ClinVar (database versions not stated): gnomAD exomes below 0.00001; ExAC 0.00002; ESP Exome Variant Server 0.00008.
gnomAD v4.1: 7 of 1,614,132 alleles (0.00043%); highest among the groups gnomAD compares: Non-Finnish European, 0.000085%; no homozygotes.

Submissions (2):

Ambry Genetics
Classification: Uncertain significance for Cardiovascular phenotype. Last evaluated: 2025-06-06. Review status: criteria provided, single submitter. Criteria: Ambry Variant Classification Scheme 2023. Collection method: clinical testing. Allele origin: germline.

Labcorp Genetics (formerly Invitae), Labcorp
Classification: Uncertain significance for Dilated cardiomyopathy 1KK. Last evaluated: 2022-07-06. Review status: criteria provided, single submitter. Criteria: Invitae Variant Classification Sherloc (09022015). Collection method: clinical testing. Allele origin: germline.
Comment: This sequence change replaces arginine, which is basic and polar, with serine, which is neutral and polar, at codon 1190 of the MYPN protein (p.Arg1190Ser). This variant is present in population databases (rs373439318, gnomAD 0.01%). This variant has not been reported in the literature in individuals affected with MYPN-related conditions. ClinVar contains an entry for this variant (Variation ID: 1400011). Algorithms developed to predict the effect of missense changes on protein structure and function are either unavailable or do not agree on the potential impact of this missense change (SIFT: "Deleterious"; PolyPhen-2: "Probably Damaging"; Align-GVGD: "Class C0"). In summary, the available evidence is currently insufficient to determine the role of this variant in disease. Therefore, it has been classified as a Variant of Uncertain Significance.

NM_032578.4(MYPN):c.3570A>C (p.Arg1190Ser)

Gene: MYPN (myopalladin; plus strand). Cytogenetic location: 10q21.3.
Variant type: single nucleotide variant.
Coding change: c.3570A>C on transcript NM_032578.4 (MANE Select); coding-DNA position 3570, A replaced by C.
Protein change: p.Arg1190Ser; replaces arginine 1190 with serine.
Molecular consequence: missense variant. On other transcripts: non-coding transcript variant (2).
Genome position (GRCh38, 1-based): chr10:68,201,905, A>C. VCF-style: chr10-68201905-A-C. GRCh37 (hg19) VCF-style: chr10-69961662-A-C.
Other names: c.3570A>C (NM_032578.2); c.3570A>C, p.Arg1190Ser (NM_001256267.2); c.2688A>C, p.Arg896Ser (NM_001256268.2); short protein forms R1190S, R896S.
Identifiers: ClinVar variation 1400011 (VCV001400011.10), dbSNP rs373439318, ClinGen allele CA5523094.